The following is an entry in ClinVar:

NM_000393.5(COL5A2):c.263C>A (p.Pro88His)

Gene: COL5A2 (collagen type V alpha 2 chain; minus strand). Cytogenetic location: 2q32.2.
Variant type: single nucleotide variant.
Coding change: c.263C>A on transcript NM_000393.5 (MANE Select); coding-DNA position 263, C replaced by A.
Protein change: p.Pro88His; replaces proline 88 with histidine.
Molecular consequence: missense variant.
Genome position (GRCh38, 1-based): chr2:189,110,284, G>T on the plus strand (C>A on the coding strand, the complement: COL5A2 is on the minus strand). VCF-style: chr2-189110284-G-T. GRCh37 (hg19) VCF-style: chr2-189975010-G-T.
Other names: p.P88H:CCC>CAC; p.Pro88His; short protein forms P88H.
Identifiers: ClinVar variation 213134 (VCV000213134.52), dbSNP rs149877855, ClinGen allele CA322375.
Genomic context (GRCh38, chr2:189,110,284, plus strand): 5'-CCAAAATTGGTATTGCCACCTCCAGGTGTTTGTGAACAGACAGGACAGCATTCCCCAGGG[G>T]GCGTTACAGGGTCGGCACAGTCCAGCACATCCTGGCATTCTATCTTGTCACAGAGAATGG-3'
Protein context (NP_000384.2, residues 78-98): DVLDCADPVT[Pro88His]PGECCPVCSQ

ClinVar aggregate classification (germline): Conflicting classifications of pathogenicity. Review status: criteria provided, conflicting classifications (1 of 4 stars). 8 submissions from 8 submitters: Uncertain significance (1); Likely benign (7). Last evaluated 2026-06-29.

Conditions:
Ehlers-Danlos syndrome, classic type, 1 (EDSCL1). Also called: EHLERS-DANLOS SYNDROME, GRAVIS TYPE; EHLERS-DANLOS SYNDROME, SEVERE CLASSIC TYPE; Ehlers-Danlos syndrome, type 1; Ehlers-Danlos Syndrome, Classic Type, COL5A1-Related; EDS I. Identifiers: MedGen C0268335, MONDO:0019567, OMIM 130000.
Ehlers-Danlos syndrome, classic type, 2 (EDSCL2). Also called: Ehlers-Danlos syndrome type 2 (formerly); Ehlers-Danlos syndrome, type 2; Ehlers-Danlos Syndrome, Classic Type, COL5A2-Related. Identifiers: Orphanet 287, Orphanet 90318, MedGen C0268336, MONDO:0019568, OMIM 130010.
Familial thoracic aortic aneurysm and aortic dissection (TAAD). Also called: Thoracic aortic aneurysms and dissections. Identifiers: Orphanet 91387, MedGen C4707243, MONDO:0019625.

Allele frequency attached by ClinVar (database versions not stated): ExAC 0.00012; gnomAD exomes 0.00014 and 0.00034; TOPMed 0.00015; gnomAD 0.00016; ESP Exome Variant Server 0.00031.
gnomAD v4.1: 507 of 1,613,962 alleles (0.031%); highest among the groups gnomAD compares: Non-Finnish European, 0.042%; no homozygotes.

Submissions (8):

Women's Health and Genetics/Laboratory Corporation of America, LabCorp
Classification: Likely benign. Last evaluated: 2026-06-29. Review status: criteria provided, single submitter. Criteria: LabCorp Variant Classification Summary - May 2015. Collection method: clinical testing. Allele origin: germline.
Comment: Variant summary: COL5A2 c.263C>A (p.Pro88His) results in a non-conservative amino acid change located in the VWFC domain (IPR001007) of the encoded protein sequence. Algorithms developed to predict the effect of missense changes on protein structure and function all suggest that this variant is likely to be disruptive. The variant allele was found at a frequency of 0.00014 in 251272 control chromosomes, predominantly at a frequency of 0.00027 within the Non-Finnish European subpopulation in the gnomAD database. The observed variant frequency within Non-Finnish European control individuals in the gnomAD database exceeds the estimated maximal expected allele frequency for disease-causing variants in COL5A2. To our knowledge, no occurrence of c.263C>A in individuals affected with COL5A2-related conditions and no experimental evidence demonstrating its impact on protein function have been reported. ClinVar contains an entry for this variant (Variation ID: 213134). Based on the evidence outlined above, the variant was classified as likely benign.

Labcorp Genetics (formerly Invitae), Labcorp
Classification: Likely benign for Ehlers-Danlos syndrome, classic type, 1. Last evaluated: 2026-01-28. Review status: criteria provided, single submitter. Criteria: Invitae Variant Classification Sherloc (09022015). Collection method: clinical testing. Allele origin: germline.

Mayo Clinic Laboratories, Mayo Clinic
Classification: Likely benign. Last evaluated: 2024-12-27. Review status: criteria provided, single submitter. Criteria: ACMG Guidelines, 2015. Collection method: clinical testing. Allele origin: germline. Observed: 2 variant alleles.
Comment: BS1

GeneDx
Classification: Uncertain significance. Last evaluated: 2024-12-03. Review status: criteria provided, single submitter. Criteria: GeneDx Variant Classification Process June 2021. Collection method: clinical testing. Allele origin: germline. Affected: yes.
Comment: Not located in the triple helical region, where the majority of pathogenic missense variants occur (PMID: 22696272; HGMD); In silico analysis supports that this missense variant has a deleterious effect on protein structure/function; Identified in a patient with cerebral palsy and a patient with hypermobility, lichen sclerosus, and ileostomy due to severe obstipation (PMID: 33161638, 30467950); This variant is associated with the following publications: (PMID: 30467950, 33161638, 22696272)

Blueprint Genetics
Classification: Likely benign. Last evaluated: 2024-11-25. Review status: criteria provided, single submitter. Criteria: ACMG Guidelines, 2015. Collection method: clinical testing. Allele origin: germline.

Ambry Genetics
Classification: Likely benign for Familial thoracic aortic aneurysm and aortic dissection. Last evaluated: 2024-06-12. Review status: criteria provided, single submitter. Criteria: Ambry Variant Classification Scheme 2023. Collection method: clinical testing. Allele origin: germline.

CeGaT Center for Human Genetics Tuebingen
Classification: Likely benign. Last evaluated: 2023-11-01. Review status: criteria provided, single submitter. Criteria: CeGaT Center For Human Genetics Tuebingen Variant Classification Criteria Version 2. Collection method: clinical testing. Allele origin: germline. Affected: yes. Observed: 1 variant allele.
Comment: COL5A2: PP3, BS2

Illumina Laboratory Services, Illumina
Classification: Likely benign for Ehlers-Danlos syndrome, classic type, 2. Last evaluated: 2018-01-13. Review status: criteria provided, single submitter. Criteria: ICSL Variant Classification Criteria 13 December 2019. Collection method: clinical testing. Allele origin: germline.
Comment: This variant was observed in the ICSL laboratory as part of a predisposition screen in an ostensibly healthy population. It had not been previously curated by ICSL or reported in the Human Gene Mutation Database (HGMD: prior to June 1st, 2018), and was therefore a candidate for classification through an automated scoring system. Utilizing variant allele frequency, disease prevalence and penetrance estimates, and inheritance mode, an automated score was calculated to assess if this variant is too frequent to cause the disease. Based on the score and internal cut-off values, a variant classified as likely benign is not then subjected to further curation. The score for this variant resulted in a classification of likely benign for this disease.

Literature cited by the submitters: PubMed 30467950 (cited by Mayo Clinic Laboratories, Mayo Clinic and Ambry Genetics); PubMed 33161638 (cited by Mayo Clinic Laboratories, Mayo Clinic and Ambry Genetics).